The following is an entry in ClinVar:

NM_004247.4(EFTUD2):c.24G>T (p.Glu8Asp)

Gene: EFTUD2 (elongation factor Tu GTP binding domain containing 2; minus strand). Cytogenetic location: 17q21.31.
Variant type: single nucleotide variant.
Coding change: c.24G>T on transcript NM_004247.4 (MANE Select); coding-DNA position 24, G replaced by T.
Protein change: p.Glu8Asp; replaces glutamic acid 8 with aspartic acid.
Molecular consequence: missense variant. On other transcripts: intron variant (1).
Genome position (GRCh38, 1-based): chr17:44,894,498, C>A on the plus strand (G>T on the coding strand, the complement: EFTUD2 is on the minus strand). VCF-style: chr17-44894498-C-A. GRCh37 (hg19) VCF-style: chr17-42971866-C-A.
Other names: c.24G>T, p.Glu8Asp (NM_001258353.2, NM_001258354.2); c.-1+4871G>T (NM_001142605.2); short protein forms E8D.
Identifiers: ClinVar variation 3898592 (VCV003898592.7).

ClinVar aggregate classification (germline): Uncertain significance (1 of 4 stars; one submission).

Submission:

CeGaT Center for Human Genetics Tuebingen
Classification: Uncertain significance. Last evaluated: 2025-04-01. Review status: criteria provided, single submitter. Criteria: CeGaT Center For Human Genetics Tuebingen Variant Classification Criteria Version 2. Collection method: clinical testing. Allele origin: germline. Affected: yes. Observed: 1 variant allele.
Comment: EFTUD2: PM2, PP3